The following is an entry in ClinVar:

ClinVar aggregate classification (germline): Uncertain significance (1 of 4 stars; one submission).

Allele frequency attached by ClinVar (database versions not stated): gnomAD exomes 0.00002; ExAC 0.00006; ESP Exome Variant Server 0.00015; gnomAD 0.00015; TOPMed 0.00018; 1000 Genomes Project 0.00080; 1000 Genomes Project 30x 0.00094.
gnomAD v4.1: 52 of 1,613,734 alleles (0.0032%); highest among the groups gnomAD compares: African/African-American, 0.056%; no homozygotes.

Submission:

Labcorp Genetics (formerly Invitae), Labcorp
Classification: Uncertain significance. Last evaluated: 2024-12-02. Review status: criteria provided, single submitter. Criteria: Invitae Variant Classification Sherloc (09022015). Collection method: clinical testing. Allele origin: germline.
Comment: This sequence change replaces alanine, which is neutral and non-polar, with valine, which is neutral and non-polar, at codon 77 of the CEP97 protein (p.Ala77Val). This variant is present in population databases (rs143663483, gnomAD 0.04%). This variant has not been reported in the literature in individuals affected with CEP97-related conditions. ClinVar contains an entry for this variant (Variation ID: 2886424). Invitae Evidence Modeling of protein sequence and biophysical properties (such as structural, functional, and spatial information, amino acid conservation, physicochemical variation, residue mobility, and thermodynamic stability) indicates that this missense variant is expected to disrupt CEP97 protein function with a positive predictive value of 80%. In summary, the available evidence is currently insufficient to determine the role of this variant in disease. Therefore, it has been classified as a Variant of Uncertain Significance.

NM_024548.4(CEP97):c.230C>T (p.Ala77Val)

Gene: CEP97 (centrosomal protein 97; plus strand). Cytogenetic location: 3q12.3.
Variant type: single nucleotide variant.
Coding change: c.230C>T on transcript NM_024548.4 (MANE Select); coding-DNA position 230, C replaced by T.
Protein change: p.Ala77Val; replaces alanine 77 with valine.
Molecular consequence: missense variant.
Genome position (GRCh38, 1-based): chr3:101,727,426, C>T. VCF-style: chr3-101727426-C-T. GRCh37 (hg19) VCF-style: chr3-101446270-C-T.
Other names: c.230C>T, p.Ala77Val (NM_001303401.2, NM_001410784.1, NM_001410785.1); short protein forms A77V.
Identifiers: ClinVar variation 2886424 (VCV002886424.3), dbSNP rs143663483, ClinGen allele CA2521848.